The following is an entry in ClinVar:

NM_001039469.3(MARK2):c.1180A>T (p.Lys394Ter)

Gene: MARK2 (microtubule affinity regulating kinase 2; plus strand). Cytogenetic location: 11q13.1.
Variant type: single nucleotide variant.
Coding change: c.1180A>T on transcript NM_001039469.3 (MANE Select); coding-DNA position 1180, A replaced by T.
Protein change: p.Lys394Ter; replaces lysine 394 with a stop codon.
Molecular consequence: nonsense.
Genome position (GRCh38, 1-based): chr11:63,902,276, A>T. VCF-style: chr11-63902276-A-T. GRCh37 (hg19) VCF-style: chr11-63669748-A-T.
Other names: c.1180A>T, p.Lys394Ter (NM_001163296.2, NM_001163297.2, NM_004954.5); c.1081A>T, p.Lys361Ter (NM_017490.4); short protein forms K361*, K394*.
Identifiers: ClinVar variation 3378059 (VCV003378059.1).

ClinVar aggregate classification (germline): Uncertain significance (1 of 4 stars; one submission).

Submission:

GeneDx
Classification: Uncertain significance. Last evaluated: 2022-09-30. Review status: criteria provided, single submitter. Criteria: GeneDx Variant Classification Process June 2021. Collection method: clinical testing. Allele origin: germline. Affected: yes.
Comment: Not observed at significant frequency in large population cohorts (gnomAD); Nonsense variant predicted to result in protein truncation or nonsense mediated decay in a gene or region of a gene for which loss of function is not a well-established mechanism of disease; Has not been previously published as pathogenic or benign to our knowledge; Variants in candidate genes are classified as variants of uncertain significance in accordance with ACMG guidelines (Richards et al., 2015)